The following is an entry in ClinVar:

NM_000059.4(BRCA2):c.9593_9594del (p.Cys3198fs)

Gene: BRCA2 (BRCA2 DNA repair associated; plus strand). Cytogenetic location: 13q13.1.
Variant type: Deletion.
Coding change: c.9593_9594del on transcript NM_000059.4 (MANE Select); coding-DNA positions 9593 to 9594, 2 bases deleted (GT; older notation c.9593_9594delGT).
Protein change: p.Cys3198fs; shifts the reading frame from cysteine 3198.
Molecular consequence: frameshift variant.
Genome position (GRCh38, 1-based): chr13:32,396,989-32,396,990, GT deleted; deleting any 2 consecutive bases within chr13:32,396,988-32,396,990 gives the same sequence; the c. name uses the placement nearest the transcript's 3' end. VCF-style (leftmost placement, unchanged base first): chr13-32396987-CTG-C. GRCh37 (hg19) VCF-style: chr13-32971124-CTG-C.
Other names: c.9593_9594delGT (NM_000059.3); short protein forms C3198fs.
Identifiers: ClinVar variation 562471 (VCV000562471.22), dbSNP rs1566260198, ClinGen allele CA658823594.
Genomic context (GRCh38, chr13:32,396,987, plus strand): 5'-AAACAAGCTTATGCATATACTGCATGCAAATGATCCCAAGTGGTCCACCCCAACTAAAGA[CTG>C]TACTTCAGGGCCGTACACTGCTCAAATCATTCCTGGTACAGGAAACAAGCTTCTGGTAAG-3'

ClinVar aggregate classification (germline): Pathogenic/Likely pathogenic. Review status: criteria provided, multiple submitters, no conflicts (2 of 4 stars). 8 submissions from 8 submitters: Pathogenic (5); Likely pathogenic (2). 1 of the submissions does not count toward it. Last evaluated 2025-11-10.

Conditions:
Hereditary cancer-predisposing syndrome. Also called: Tumor predisposition; Hereditary neoplastic syndrome; Neoplastic Syndromes, Hereditary; Hereditary Cancer Syndrome. Identifiers: Orphanet 140162, MedGen C0027672, MeSH D009386, MONDO:0015356.
Hereditary breast ovarian cancer syndrome. Also called: Hereditary breast and ovarian cancer syndrome; Hereditary breast and/or ovarian cancer syndrome; Hereditary breast and ovarian cancer; Hereditary breast and ovarian cancer syndrome (HBOC); Breast and ovarian cancer; BRCA1- and BRCA2-Associated Hereditary Breast and Ovarian Cancer. Identifiers: Orphanet 145, MedGen C0677776, MeSH D061325, MONDO:0003582. Disease mechanism: loss of function.
Fanconi anemia complementation group D1. Also called: BRCA2-Related Fanconi Anemia. Identifiers: Orphanet 319462, MedGen C1838457, MONDO:0011584, OMIM 605724.
Familial cancer of breast. Also called: Hereditary breast cancer; hereditary breast carcinoma; BREAST CANCER, FAMILIAL. Identifiers: Orphanet 227535, MedGen C0346153, MONDO:0016419, OMIM 114480. Disease mechanism: loss of function.
Breast-ovarian cancer, familial, susceptibility to, 2 (BROVCA2). Also called: BRCA2 Hereditary Breast and Ovarian Cancer. Identifiers: Orphanet 145, MedGen C2675520, MONDO:0012933, OMIM 612555. Disease mechanism: loss of function.
Wilms tumor 1 (WT1). Also called: Wilms tumor, somatic. Identifiers: Orphanet 654, MedGen CN033288, MONDO:0008679, OMIM 194070.
Pancreatic cancer, susceptibility to, 2. Identifiers: Orphanet 1333, MedGen C3150546, MONDO:0013235, OMIM 613347.
Glioma susceptibility 3 (GLM3). Also called: Glioblastoma 3. Identifiers: Orphanet 182067, Orphanet 360, MedGen C2751641, MONDO:0013093, OMIM 613029.
Medulloblastoma (MDB). Also called: MEDULLOBLASTOMA PREDISPOSITION SYNDROME; Medulloblastoma, somatic. Identifiers: Orphanet 616, MedGen C0025149, MeSH D008527, MONDO:0007959, OMIM 155255, HP:0002885.
Familial prostate cancer. Also called: Hereditary Prostate Cancer. Identifiers: MedGen C2931456, MONDO:0700275, OMIM 176807.
BRCA2-related disorder. Also called: BRCA2-related condition; BRCA2-related disorders. Identifiers: MedGen CN239275.

Submissions (8):

Labcorp Genetics (formerly Invitae), Labcorp
Classification: Pathogenic for Hereditary breast ovarian cancer syndrome. Last evaluated: 2025-11-10. Review status: criteria provided, single submitter. Criteria: Invitae Variant Classification Sherloc (09022015). Collection method: clinical testing. Allele origin: germline.
Comment: This sequence change creates a premature translational stop signal (p.Cys3198Tyrfs*23) in the BRCA2 gene. While this is not anticipated to result in nonsense mediated decay, it is expected to disrupt the last 221 amino acid(s) of the BRCA2 protein. This variant is not present in population databases (gnomAD no frequency). This variant has not been reported in the literature in individuals affected with BRCA2-related conditions. ClinVar contains an entry for this variant (Variation ID: 562471). This variant disrupts a region of the BRCA2 protein in which other variant(s) (p. Tyr3308*) have been determined to be pathogenic (PMID: 17026620, 18593900, 18607349, 22711857). This suggests that this is a clinically significant region of the protein, and that variants that disrupt it are likely to be disease-causing. For these reasons, this variant has been classified as Pathogenic.

Quest Diagnostics Nichols Institute San Juan Capistrano
Classification: Pathogenic. Last evaluated: 2023-12-22. Review status: criteria provided, single submitter. Criteria: Quest Diagnostics criteria. Collection method: clinical testing. Allele origin: unknown.
Comment: The BRCA2 c.9593_9594del (p.Cys3198Tyrfs*23) variant alters the translational reading frame of the BRCA2 mRNA and causes the premature termination of BRCA2 protein synthesis. This variant has been reported in the published literature in individual with hereditary breast and/or ovarian cancer (PMID: 33047316 (2021)). The frequency of this variant in the general population, 0.0000066 (1/152174 chromosomes (Genome Aggregation Database)), is consistent with pathogenicity. Based on the available information, this variant is classified as pathogenic.

Women's Health and Genetics/Laboratory Corporation of America, LabCorp
Classification: Likely pathogenic for Hereditary breast ovarian cancer syndrome. Last evaluated: 2022-05-25. Review status: criteria provided, single submitter. Criteria: LabCorp Variant Classification Summary - May 2015. Collection method: clinical testing. Allele origin: germline.
Comment: Variant summary: BRCA2 c.9593_9594delGT (p.Cys3198TyrfsX23) results in a premature termination codon, predicted to cause a truncation of the encoded protein or absence of the protein due to nonsense mediated decay, which are commonly known mechanisms for disease. Truncations downstream of this position have been classified as pathogenic by our laboratory. The variant was absent in 251414 control chromosomes. To our knowledge, no occurrence of c.9593_9594delGT in individuals affected with Hereditary Breast And Ovarian Cancer Syndrome and no experimental evidence demonstrating its impact on protein function have been reported. Five clinical diagnostic laboratories have submitted clinical-significance assessments for this variant to ClinVar after 2014 without evidence for independent evaluation. Four laboratories classified the variant as pathogenic and one as likely pathogenic. Based on the evidence outlined above, the variant was classified as likely pathogenic.

Ambry Genetics
Classification: Pathogenic for Hereditary cancer-predisposing syndrome. Last evaluated: 2022-01-07. Review status: criteria provided, single submitter. Criteria: Ambry Variant Classification Scheme 2023. Collection method: clinical testing. Allele origin: germline.
Comment: The c.9593_9594delGT pathogenic mutation, located in coding exon 25 of the BRCA2 gene, results from a deletion of two nucleotides at nucleotide positions 9593 to 9594, causing a translational frameshift with a predicted alternate stop codon (p.C3198Yfs*23). This alteration occurs at the 3' terminus of theBRCA2 gene, is not expected to trigger nonsense-mediated mRNA decay, and impacts the last 221 amino acids of the protein. However, premature stop codons are typically deleterious in nature and the impacted region is critical for protein function (Ambry internal data). Other truncating alterations downstream have been observed in individuals with a personal and/or family history that is consistent with BRCA2-related disease (Ambry internal data). This variant is considered to be rare based on population cohorts in the Genome Aggregation Database (gnomAD). Based on the supporting evidence, this alteration is interpreted as a disease-causing mutation.

Color Diagnostics, LLC DBA Color Health
Classification: Pathogenic for Hereditary cancer-predisposing syndrome. Last evaluated: 2020-06-08. Review status: criteria provided, single submitter. Criteria: ACMG Guidelines, 2015. Collection method: clinical testing. Allele origin: germline.
Comment: This variant deletes 2 nucleotides in exon 26 of the BRCA2 gene, creating a frameshift and premature translation stop signal. This variant is expected to result in an absent or non-functional protein product. To our knowledge, this variant has not been reported in individuals affected with hereditary cancer in the literature. This variant has not been identified in the general population by the Genome Aggregation Database (gnomAD). Loss of BRCA2 function is a known mechanism of disease. Based on the available evidence, this variant is classified as Pathogenic.

Juno Genomics, Hangzhou Juno Genomics, Inc
Classification: Likely pathogenic for Familial cancer of breast; Breast-ovarian cancer, familial, susceptibility to, 2; Glioma susceptibility 3; Medulloblastoma; Pancreatic cancer, susceptibility to, 2; Familial prostate cancer; Fanconi anemia complementation group D1; Wilms tumor 1. Review status: criteria provided, single submitter. Criteria: ACMG Guidelines, 2015. Collection method: clinical testing. Allele origin: germline.
Comment: Null variant in a gene where loss of function (LOF) is a known mechanism of disease.;Absent from controls (or at extremely low frequency if recessive) in Genome Aggregation Database.

Rady Children's Institute for Genomic Medicine, Rady Children's Hospital San Diego
Classification: Pathogenic for BRCA2-related disorders. Review status: criteria provided, single submitter. Criteria: ACMG Guidelines, 2015. Collection method: clinical testing. Allele origin: germline. Affected: yes. Study: CSER-NYCKidSeq.
Comment: This frameshifting variant in exon 26 of 28 introduces a premature stop codon and is therefore predicted to result in loss of normal protein function through either protein truncation or nonsense-mediated mRNA decay (NMD). Loss-of-function variation is an established mechanism of disease for BRCA2-related disorders (PMID: 20301425). This variant has not been previously reported or functionally characterized in the literature to our knowledge. It is absent from the gnomAD population database and thus is presumed to be rare. Based on the available evidence, the c.9593_9594del (p.Cys3198TyrfsTer23) variant is classified as Pathogenic

Gharavi Laboratory, Columbia University
Classification: Pathogenic. Last evaluated: 2018-09-16. Review status: no assertion criteria provided. Criteria: ACMG Guidelines, 2015. Collection method: research. Allele origin: germline. Affected: yes. Not counted in ClinVar's aggregate classification.

Literature cited by the submitters: PubMed 17026620 (cited by Labcorp Genetics (formerly Invitae), Labcorp); PubMed 18593900 (cited by Labcorp Genetics (formerly Invitae), Labcorp); PubMed 18607349 (cited by Labcorp Genetics (formerly Invitae), Labcorp); PubMed 22711857 (cited by Labcorp Genetics (formerly Invitae), Labcorp); PubMed 33047316 (cited by Quest Diagnostics Nichols Institute San Juan Capistrano).